The following is an entry in ClinVar:

ClinVar aggregate classification (germline): Pathogenic. Review status: criteria provided, single submitter (1 of 4 stars). 2 submissions from 2 submitters: Pathogenic (1). 1 of the submissions does not count toward it. Last evaluated 2024-03-01.

Conditions:
Centronuclear myopathy (CNM). Also called: Myotubular myopathy; Centronuclear myopathy, congenital. Identifiers: Orphanet 595, MedGen C0175709, MONDO:0018947. Inheritance: All.
Myopathy, centronuclear, 6, with fiber-type disproportion. Identifiers: MedGen C4540345, MONDO:0054695, OMIM 617760.

Allele frequency attached by ClinVar (database versions not stated): gnomAD exomes below 0.00001; gnomAD 0.00001.

Submissions (2):

Muscle and Diseases Team, Institut de Génétique et Biologie Moléculaire et Cellulaire
Classification: Pathogenic for Centronuclear myopathy. Last evaluated: 2024-03-01. Review status: criteria provided, single submitter. Criteria: ACMG Guidelines, 2015. Collection method: research. Allele origin: germline. Affected: yes. Observed: 1 variant allele.
Comment: PVS1+PS3+PM2+PP4+PP3

OMIM
Classification: Pathogenic for MYOPATHY, CENTRONUCLEAR, 6, WITH FIBER-TYPE DISPROPORTION. Last evaluated: 2022-07-28. Review status: no assertion criteria provided. Collection method: literature only. Allele origin: germline. Not counted in ClinVar's aggregate classification.

Literature cited by the submitters: DOI 10.1186/s13073-024-01353-0 (cited by Muscle and Diseases Team, Institut de Génétique et Biologie Moléculaire et Cellulaire); PubMed 27816943 (cited by Muscle and Diseases Team, Institut de Génétique et Biologie Moléculaire et Cellulaire and OMIM).

NM_016653.3(MAP3K20):c.490_491del (p.Met164fs)

Gene: MAP3K20 (mitogen-activated protein kinase kinase kinase 20; plus strand). Cytogenetic location: 2q31.1.
Variant type: Deletion.
Coding change: c.490_491del on transcript NM_016653.3 (MANE Select); coding-DNA positions 490 to 491, 2 bases deleted (AT; older notation c.490_491delAT).
Protein change: p.Met164fs; shifts the reading frame from methionine 164.
Molecular consequence: frameshift variant.
Genome position (GRCh38, 1-based): chr2:173,191,085-173,191,086, AT deleted. VCF-style (leftmost placement, unchanged base first): chr2-173191084-CAT-C. GRCh37 (hg19) VCF-style: chr2-174055812-CAT-C.
Other names: c.490_491del, p.Met164fs (NM_133646.3); short protein forms M164fs.
Identifiers: ClinVar variation 446158 (VCV000446158.4), dbSNP rs1293675104, ClinGen allele CA537735248.